The following is an entry in ClinVar:

NM_002471.4(MYH6):c.5700G>C (p.Lys1900Asn)

Gene: MYH6 (myosin heavy chain 6; minus strand). Cytogenetic location: 14q11.2.
Variant type: single nucleotide variant.
Coding change: c.5700G>C on transcript NM_002471.4 (MANE Select); coding-DNA position 5700, G replaced by C.
Protein change: p.Lys1900Asn; replaces lysine 1900 with asparagine.
Molecular consequence: missense variant.
Genome position (GRCh38, 1-based): chr14:23,382,524, C>G on the plus strand (G>C on the coding strand, the complement: MYH6 is on the minus strand). VCF-style: chr14-23382524-C-G. GRCh37 (hg19) VCF-style: chr14-23851733-C-G.
Other names: short protein forms K1900N.
Identifiers: ClinVar variation 44540 (VCV000044540.4), dbSNP rs397516778, ClinGen allele CA134485.

ClinVar aggregate classification (germline): Uncertain significance (1 of 4 stars; one submission).

Submission:

Laboratory for Molecular Medicine, Mass General Brigham Personalized Medicine
Classification: Uncertain significance. Last evaluated: 2012-05-31. Review status: criteria provided, single submitter. Criteria: LMM Criteria. Collection method: clinical testing. Allele origin: germline. Observed: 1 variant allele.
Comment: The Lys1900Asn variant in MYH6 has not been reported in the literature nor previ ously identified by our laboratory. Lysine (Lys) at position 1900 is highly cons erved in mammals and evolutionarily distant species, though computational analys es (biochemical amino acid properties, AlignGVGD, PolyPhen2, and SIFT) do not pr ovide strong support for or against an impact to the protein. Additional informa tion is needed to fully assess the clinical significance of the Lys1900Asn varia nt.